The following is an entry in ClinVar:

ClinVar aggregate classification (germline): Likely benign. Review status: criteria provided, multiple submitters, no conflicts (2 of 4 stars). 5 submissions from 5 submitters: Likely benign (4). 1 of the submissions does not count toward it. Last evaluated 2024-02-08.

Conditions:
Hereditary cancer-predisposing syndrome. Also called: Tumor predisposition; Neoplastic Syndromes, Hereditary; Hereditary neoplastic syndrome; Hereditary Cancer Syndrome. Identifiers: Orphanet 140162, MedGen C0027672, MeSH D009386, MONDO:0015356.
Fanconi anemia (FA). Also called: Fanconi's anemia. Identifiers: Orphanet 84, MedGen C0015625, MeSH D005199, MONDO:0019391.

Allele frequency attached by ClinVar (database versions not stated): TOPMed 0.00001; gnomAD exomes 0.00002; ExAC 0.00003.
gnomAD v4.1: 15 of 1,614,008 alleles (0.00093%); highest among the groups gnomAD compares: Middle Eastern, 0.016%; no homozygotes.

Submissions (5):

Labcorp Genetics (formerly Invitae), Labcorp
Classification: Likely benign for Fanconi anemia. Last evaluated: 2024-02-08. Review status: criteria provided, single submitter. Criteria: Invitae Variant Classification Sherloc (09022015). Collection method: clinical testing. Allele origin: germline.

Blueprint Genetics
Classification: Likely benign. Last evaluated: 2023-09-19. Review status: criteria provided, single submitter. Criteria: ACMG Guidelines, 2015. Collection method: clinical testing. Allele origin: germline.

Ambry Genetics
Classification: Likely benign for Hereditary cancer-predisposing syndrome. Last evaluated: 2021-10-14. Review status: criteria provided, single submitter. Criteria: Ambry Variant Classification Scheme 2023. Collection method: clinical testing. Allele origin: germline.

GeneDx
Classification: Likely benign. Last evaluated: 2017-11-13. Review status: criteria provided, single submitter. Criteria: GeneDx Variant Classification (06012015). Collection method: clinical testing. Allele origin: germline. Affected: yes.
Comment: This variant is considered likely benign or benign based on one or more of the following criteria: it is a conservative change, it occurs at a poorly conserved position in the protein, it is predicted to be benign by multiple in silico algorithms, and/or has population frequency not consistent with disease.

Natera, Inc.
Classification: Likely benign for Fanconi anemia. Last evaluated: 2018-10-17. Review status: no assertion criteria provided. Collection method: clinical testing. Allele origin: germline. Not counted in ClinVar's aggregate classification.

NM_000136.3(FANCC):c.1248C>T (p.Ala416=)

Genes: AOPEP (aminopeptidase O (putative); plus strand), FANCC (FA complementation group C; minus strand). Cytogenetic location: 9q22.32.
Variant type: single nucleotide variant.
Coding change: c.1248C>T on transcript NM_000136.3 (MANE Select); coding-DNA position 1248, C replaced by T.
Protein change: p.Ala416=; no amino-acid change (alanine 416 retained).
Molecular consequence: synonymous variant.
Genome position (GRCh38, 1-based): chr9:95,111,544, G>A on the plus strand (C>T on the coding strand, the complement: FANCC is on the minus strand). VCF-style: chr9-95111544-G-A. GRCh37 (hg19) VCF-style: chr9-97873826-G-A.
Other names: c.1248C>T, p.Ala416= (NM_001243743.2, NM_001243744.2).
Identifiers: ClinVar variation 380272 (VCV000380272.17), dbSNP rs747051975, ClinGen allele CA5137416.